The following is an entry in ClinVar:

ClinVar aggregate classification (germline): Uncertain significance (1 of 4 stars; one submission).

Conditions:
Inborn genetic diseases. Identifiers: MedGen C0950123, MeSH D030342.

Submission:

Ambry Genetics
Classification: Uncertain significance for Inborn genetic diseases. Last evaluated: 2026-04-18. Review status: criteria provided, single submitter. Criteria: Ambry Variant Classification Scheme 2023. Collection method: clinical testing. Allele origin: germline.
Comment: The p.Y72H variant (also known as c.214T>C), located in coding exon 4 of the ASXL1 gene, results from a T to C substitution at nucleotide position 214. The tyrosine at codon 72 is replaced by histidine, an amino acid with similar properties. This amino acid position is conserved. In addition, the in silico prediction for this alteration is inconclusive. Based on the available evidence, the clinical significance of this variant remains unclear.

NM_015338.6(ASXL1):c.214T>C (p.Tyr72His)

Gene: ASXL1 (ASXL transcriptional regulator 1; plus strand). Cytogenetic location: 20q11.21.
Variant type: single nucleotide variant.
Coding change: c.214T>C on transcript NM_015338.6 (MANE Select); coding-DNA position 214, T replaced by C.
Protein change: p.Tyr72His; replaces tyrosine 72 with histidine.
Molecular consequence: missense variant.
Genome position (GRCh38, 1-based): chr20:32,369,085, T>C. VCF-style: chr20-32369085-T-C. GRCh37 (hg19) VCF-style: chr20-30956888-T-C.
Other names: c.214T>C, p.Tyr72His (NM_001164603.1); c.184T>C, p.Tyr62His (NM_001363734.1); short protein forms Y62H, Y72H.
Identifiers: ClinVar variation 4864254 (VCV004864254.1).